The following is an entry in ClinVar:

NM_001365951.3(KIF1B):c.229A>G (p.Ile77Val)

Gene: KIF1B (kinesin family member 1B; plus strand). Cytogenetic location: 1p36.22.
Variant type: single nucleotide variant.
Coding change: c.229A>G on transcript NM_001365951.3 (MANE Select); coding-DNA position 229, A replaced by G.
Protein change: p.Ile77Val; replaces isoleucine 77 with valine.
Molecular consequence: missense variant.
Genome position (GRCh38, 1-based): chr1:10,258,538, A>G. VCF-style: chr1-10258538-A-G. GRCh37 (hg19) VCF-style: chr1-10318596-A-G.
Other names: c.229A>G, p.Ile77Val (NM_001365952.1, NM_001365953.1, NM_015074.3 and 1 more transcripts); short protein forms I77V.
Identifiers: ClinVar variation 1789216 (VCV001789216.8), dbSNP rs2523465329, ClinGen allele CA338324933.

ClinVar aggregate classification (germline): Uncertain significance. Review status: criteria provided, multiple submitters, no conflicts (2 of 4 stars). 2 submissions from 2 submitters: Uncertain significance (2). Last evaluated 2023-09-05.

Conditions:
Charcot-Marie-Tooth disease type 2. Also called: Charcot-Marie-Tooth type 2. Identifiers: Orphanet 64746, MedGen C0270914, MONDO:0018993.

Submissions (2):

Ambry Genetics
Classification: Uncertain significance. Last evaluated: 2023-09-05. Review status: criteria provided, single submitter. Criteria: Ambry Variant Classification Scheme 2023. Collection method: clinical testing. Allele origin: germline.
Comment: The p.I77V variant (also known as c.229A>G), located in coding exon 3 of the KIF1B gene, results from an A to G substitution at nucleotide position 229. The isoleucine at codon 77 is replaced by valine, an amino acid with highly similar properties. This amino acid position is highly conserved in available vertebrate species. In addition, the in silico prediction for this alteration is inconclusive. Since supporting evidence is limited at this time, the clinical significance of this alteration remains unclear.

Labcorp Genetics (formerly Invitae), Labcorp
Classification: Uncertain significance for Charcot-Marie-Tooth disease type 2. Last evaluated: 2022-04-26. Review status: criteria provided, single submitter. Criteria: Invitae Variant Classification Sherloc (09022015). Collection method: clinical testing. Allele origin: germline.
Comment: In summary, the available evidence is currently insufficient to determine the role of this variant in disease. Therefore, it has been classified as a Variant of Uncertain Significance. This sequence change replaces isoleucine, which is neutral and non-polar, with valine, which is neutral and non-polar, at codon 77 of the KIF1B protein (p.Ile77Val). This variant is not present in population databases (gnomAD no frequency). This variant has not been reported in the literature in individuals affected with KIF1B-related conditions. Algorithms developed to predict the effect of missense changes on protein structure and function are either unavailable or do not agree on the potential impact of this missense change (SIFT: "Tolerated"; PolyPhen-2: "Possibly Damaging"; Align-GVGD: "Class C0").